The following is an entry in ClinVar:

ClinVar aggregate classification (germline): Uncertain significance (1 of 4 stars; one submission).

Conditions:
Inborn genetic diseases. Identifiers: MedGen C0950123, MeSH D030342.

Submission:

Ambry Genetics
Classification: Uncertain significance for Inborn genetic diseases. Last evaluated: 2025-10-09. Review status: criteria provided, single submitter. Criteria: Ambry Variant Classification Scheme 2023. Collection method: clinical testing. Allele origin: germline.
Comment: The p.A472V variant (also known as c.1415C>T), located in coding exon 8 of the MECOM gene, results from a C to T substitution at nucleotide position 1415. The alanine at codon 472 is replaced by valine, an amino acid with similar properties. This amino acid position is conserved. In addition, this alteration is predicted to be tolerated by in silico analysis. Based on the available evidence, the clinical significance of this variant remains unclear.

NM_004991.4(MECOM):c.1415C>T (p.Ala472Val)

Gene: MECOM (MDS1 and EVI1 complex locus; minus strand). Cytogenetic location: 3q26.2.
Variant type: single nucleotide variant.
Coding change: c.1415C>T on transcript NM_004991.4 (MANE Select); coding-DNA position 1415, C replaced by T.
Protein change: p.Ala472Val; replaces alanine 472 with valine.
Molecular consequence: missense variant. On other transcripts: intron variant (2).
Genome position (GRCh38, 1-based): chr3:169,116,457, G>A on the plus strand (C>T on the coding strand, the complement: MECOM is on the minus strand). VCF-style: chr3-169116457-G-A. GRCh37 (hg19) VCF-style: chr3-168834245-G-A.
Other names: c.854C>T, p.Ala285Val (NM_001163999.2, NM_001366467.2, NM_001366468.2 and 1 more transcripts); c.851C>T, p.Ala284Val (NM_001164000.2, NM_001205194.2, NM_001366469.2 and 4 more transcripts); c.1415C>T, p.Ala472Val (NM_001366466.2); c.1133-690C>T (NM_001366473.2); c.569-690C>T (NM_001366474.2); c.1046C>T, p.Ala349Val (NM_001105077.4); short protein forms A349V, A284V, A285V, A472V.
Identifiers: ClinVar variation 4624632 (VCV004624632.1).